The following is an entry in ClinVar:

ClinVar aggregate classification (germline): Uncertain significance. Review status: criteria provided, multiple submitters, no conflicts (2 of 4 stars). 2 submissions from 2 submitters: Uncertain significance (2). Last evaluated 2025-06-05.

Conditions:
Inborn genetic diseases. Identifiers: MedGen C0950123, MeSH D030342.

Allele frequency attached by ClinVar (database versions not stated): gnomAD exomes below 0.00001; ExAC 0.00001; TOPMed 0.00001; ESP Exome Variant Server 0.00008.
gnomAD v4.1: 1 of 1,612,386 alleles (0.000062%); highest among the groups gnomAD compares: African/African-American, 0.0013%; no homozygotes.

Submissions (2):

Ambry Genetics
Classification: Uncertain significance for Inborn genetic diseases. Last evaluated: 2025-06-05. Review status: criteria provided, single submitter. Criteria: Ambry Variant Classification Scheme 2023. Collection method: clinical testing. Allele origin: germline.
Comment: The p.C416R variant (also known as c.1246T>C), located in coding exon 6 of the RECQL4 gene, results from a T to C substitution at nucleotide position 1246. The cysteine at codon 416 is replaced by arginine, an amino acid with highly dissimilar properties. This amino acid position is conserved. In addition, the in silico prediction for this alteration is inconclusive. Based on the available evidence, the clinical significance of this variant remains unclear.

CeGaT Center for Human Genetics Tuebingen
Classification: Uncertain significance. Last evaluated: 2023-11-01. Review status: criteria provided, single submitter. Criteria: CeGaT Center For Human Genetics Tuebingen Variant Classification Criteria Version 2. Collection method: clinical testing. Allele origin: germline. Affected: yes. Observed: 1 variant allele.
Comment: RECQL4: PM2, BP4

NM_004260.4(RECQL4):c.1246T>C (p.Cys416Arg)

Gene: RECQL4 (RecQ like helicase 4; minus strand). Cytogenetic location: 8q24.3.
Variant type: single nucleotide variant.
Coding change: c.1246T>C on transcript NM_004260.4 (MANE Select); coding-DNA position 1246, T replaced by C.
Protein change: p.Cys416Arg; replaces cysteine 416 with arginine.
Molecular consequence: missense variant. On other transcripts: non-coding transcript variant (3), intron variant (1).
Genome position (GRCh38, 1-based): chr8:144,515,776, A>G on the plus strand (T>C on the coding strand, the complement: RECQL4 is on the minus strand). VCF-style: chr8-144515776-A-G. GRCh37 (hg19) VCF-style: chr8-145741160-A-G.
Other names: c.1246T>C (NM_004260.3); c.1150T>C, p.Cys384Arg (NM_001413017.1, NM_001413020.1); c.1246T>C, p.Cys416Arg (NM_001413018.1, NM_001413019.1, NM_001413039.1 and 2 more transcripts); c.175T>C, p.Cys59Arg (NM_001413021.1, NM_001413022.1, NM_001413023.1 and 8 more transcripts); c.1117T>C, p.Cys373Arg (NM_001413025.1); c.113T>C, p.Val38Ala (NM_001413027.1, NM_001413041.1, NM_001413030.1 and 2 more transcripts); c.-210+212T>C (NM_001413043.1); c.895T>C, p.Cys299Arg (NM_001413029.1); short protein forms C299R, C373R, C384R, C416R, C59R, V38A.
Identifiers: ClinVar variation 2673163 (VCV002673163.23), dbSNP rs373098131, ClinGen allele CA4948980.